The following is an entry in ClinVar:

ClinVar aggregate classification (germline): Likely benign (1 of 4 stars; one submission).

gnomAD v4.1: 22 of 1,589,228 alleles (0.0014%); highest among the groups gnomAD compares: African/African-American, 0.023%; no homozygotes.

Submission:

CeGaT Center for Human Genetics Tuebingen
Classification: Likely benign. Last evaluated: 2025-11-01. Review status: criteria provided, single submitter. Criteria: CeGaT Center For Human Genetics Tuebingen Variant Classification Criteria Version 2. Collection method: clinical testing. Allele origin: germline. Affected: yes. Observed: 1 variant allele.
Comment: ATN1: BP4, BP7

NM_001940.4(ATN1):c.87G>T (p.Ser29=)

Gene: ATN1 (atrophin 1; plus strand). Cytogenetic location: 12p13.31.
Variant type: single nucleotide variant.
Coding change: c.87G>T on transcript NM_001940.4 (MANE Select); coding-DNA position 87, G replaced by T.
Protein change: p.Ser29=; no amino-acid change (serine 29 retained).
Molecular consequence: synonymous variant.
Genome position (GRCh38, 1-based): chr12:6,934,235, G>T. VCF-style: chr12-6934235-G-T. GRCh37 (hg19) VCF-style: chr12-7043398-G-T.
Other names: c.87G>T, p.Ser29= (NM_001007026.2, NM_001424176.1, NM_001424177.1 and 3 more transcripts).
Identifiers: ClinVar variation 4533459 (VCV004533459.6).